The following is an entry in ClinVar:

ClinVar aggregate classification (germline): Uncertain significance (1 of 4 stars; one submission).

Conditions:
Inborn genetic diseases. Identifiers: MedGen C0950123, MeSH D030342.

Submission:

Ambry Genetics
Classification: Uncertain significance for Inborn genetic diseases. Last evaluated: 2025-06-08. Review status: criteria provided, single submitter. Criteria: Ambry Variant Classification Scheme 2023. Collection method: clinical testing. Allele origin: germline.
Comment: The p.E857Q variant (also known as c.2569G>C), located in coding exon 23 of the ANKRD26 gene, results from a G to C substitution at nucleotide position 2569. The glutamic acid at codon 857 is replaced by glutamine, an amino acid with highly similar properties. This amino acid position is conserved. In addition, this alteration is predicted to be tolerated by in silico analysis. Based on the available evidence, the clinical significance of this variant remains unclear.

NM_014915.3(ANKRD26):c.2569G>C (p.Glu857Gln)

Gene: ANKRD26 (ankyrin repeat domain containing 26; minus strand). Cytogenetic location: 10p12.1.
Variant type: single nucleotide variant.
Coding change: c.2569G>C on transcript NM_014915.3 (MANE Select); coding-DNA position 2569, G replaced by C.
Protein change: p.Glu857Gln; replaces glutamic acid 857 with glutamine.
Molecular consequence: missense variant.
Genome position (GRCh38, 1-based): chr10:27,037,314, C>G on the plus strand (G>C on the coding strand, the complement: ANKRD26 is on the minus strand). VCF-style: chr10-27037314-C-G. GRCh37 (hg19) VCF-style: chr10-27326243-C-G.
Other names: c.2566G>C, p.Glu856Gln (NM_001256053.2); short protein forms E856Q, E857Q.
Identifiers: ClinVar variation 3915153 (VCV003915153.1).
Genomic context (GRCh38, chr10:27,037,314, plus strand): 5'-CATCTTGTAACATTCTGGCATTCTGTTCTCGAGAAAGTTGCCTCTGAGCGTCATTTCGCT[C>G]TTGAACGACCTAGAGATACATTAAGTTTTAGGTCTATTAGCATTTTGTAAAAGTCTAAAA-3'
Protein context (NP_055730.2, residues 847-867): VKSNLNQVVQ[Glu857Gln]RNDAQRQLSR